The following is an entry in ClinVar:

NM_015450.3(POT1):c.1255T>C (p.Tyr419His)

Gene: POT1 (protection of telomeres 1; minus strand). Cytogenetic location: 7q31.33.
Variant type: single nucleotide variant.
Coding change: c.1255T>C on transcript NM_015450.3 (MANE Select); coding-DNA position 1255, T replaced by C.
Protein change: p.Tyr419His; replaces tyrosine 419 with histidine.
Molecular consequence: missense variant. On other transcripts: non-coding transcript variant (3).
Genome position (GRCh38, 1-based): chr7:124,841,087, A>G on the plus strand (T>C on the coding strand, the complement: POT1 is on the minus strand). VCF-style: chr7-124841087-A-G. GRCh37 (hg19) VCF-style: chr7-124481141-A-G.
Other names: c.862T>C, p.Tyr288His (NM_001042594.2); short protein forms Y419H, Y288H.
Identifiers: ClinVar variation 850461 (VCV000850461.15), dbSNP rs773811344, ClinGen allele CA4465179.

ClinVar aggregate classification (germline): Uncertain significance. Review status: criteria provided, multiple submitters, no conflicts (2 of 4 stars). 4 submissions from 4 submitters: Uncertain significance (4). Last evaluated 2025-07-31.

Conditions:
Tumor predisposition syndrome 3 (TPDS3). Also called: Melanoma, cutaneous malignant, susceptibility to, 10; Glioma susceptibility 9; LONG TELOMERE SYNDROME, POT1-RELATED; POT1 Tumor Predisposition. Identifiers: Orphanet 618, MedGen C4014476, MONDO:0014368, OMIM 615848.
Inherited aplastic anemia. Identifiers: Orphanet 68383, MedGen C5681331, MONDO:0001713.
Hereditary cancer-predisposing syndrome. Also called: Neoplastic Syndromes, Hereditary; Hereditary neoplastic syndrome; Tumor predisposition; Hereditary Cancer Syndrome. Identifiers: Orphanet 140162, MedGen C0027672, MeSH D009386, MONDO:0015356.

Allele frequency attached by ClinVar (database versions not stated): gnomAD exomes below 0.00001; ExAC 0.00001; gnomAD 0.00001; TOPMed 0.00002.
gnomAD v4.1: 6 of 1,612,620 alleles (0.00037%); highest among the groups gnomAD compares: South Asian, 0.0033%; no homozygotes.

Submissions (4):

Labcorp Genetics (formerly Invitae), Labcorp
Classification: Uncertain significance for Tumor predisposition syndrome 3. Last evaluated: 2025-07-31. Review status: criteria provided, single submitter. Criteria: Invitae Variant Classification Sherloc (09022015). Collection method: clinical testing. Allele origin: germline.
Comment: This sequence change replaces tyrosine, which is neutral and polar, with histidine, which is basic and polar, at codon 419 of the POT1 protein (p.Tyr419His). This variant is present in population databases (rs773811344, gnomAD 0.003%). This variant has not been reported in the literature in individuals affected with POT1-related conditions. ClinVar contains an entry for this variant (Variation ID: 850461). Invitae Evidence Modeling of protein sequence and biophysical properties (such as structural, functional, and spatial information, amino acid conservation, physicochemical variation, residue mobility, and thermodynamic stability) indicates that this missense variant is not expected to disrupt POT1 protein function with a negative predictive value of 80%. In summary, the available evidence is currently insufficient to determine the role of this variant in disease. Therefore, it has been classified as a Variant of Uncertain Significance.

Ambry Genetics
Classification: Uncertain significance for Hereditary cancer-predisposing syndrome. Last evaluated: 2024-10-18. Review status: criteria provided, single submitter. Criteria: Ambry Variant Classification Scheme 2023. Collection method: clinical testing. Allele origin: germline.
Comment: The p.Y419H variant (also known as c.1255T>C), located in coding exon 10 of the POT1 gene, results from a T to C substitution at nucleotide position 1255. The tyrosine at codon 419 is replaced by histidine, an amino acid with similar properties. This amino acid position is conserved. In addition, the in silico prediction for this alteration is inconclusive. Since supporting evidence is limited at this time, the clinical significance of this alteration remains unclear.

GeneDx
Classification: Uncertain significance. Last evaluated: 2022-12-09. Review status: criteria provided, single submitter. Criteria: GeneDx Variant Classification Process June 2021. Collection method: clinical testing. Allele origin: germline. Affected: yes.
Comment: Not observed at significant frequency in large population cohorts (gnomAD); In silico analysis supports that this missense variant does not alter protein structure/function; Has not been previously published as pathogenic or benign to our knowledge; This variant is associated with the following publications: (PMID: 28393830)

Bone Marrow Failure laboratory, Queen Mary University London
Classification: Uncertain significance for Inherited aplastic anemia. Review status: criteria provided, single submitter. Criteria: ACMG Guidelines, 2015. Collection method: research. Allele origin: germline. Affected: yes. Observed: 1 heterozygote.